The following is an entry in ClinVar:

NM_177965.4(CFAP418):c.251A>T (p.Lys84Ile)

Gene: CFAP418 (cilia and flagella associated protein 418; minus strand). Cytogenetic location: 8q22.1.
Variant type: single nucleotide variant.
Coding change: c.251A>T on transcript NM_177965.4 (MANE Select); coding-DNA position 251, A replaced by T.
Protein change: p.Lys84Ile; replaces lysine 84 with isoleucine.
Molecular consequence: missense variant.
Genome position (GRCh38, 1-based): chr8:95,260,525, T>A on the plus strand (A>T on the coding strand, the complement: CFAP418 is on the minus strand). VCF-style: chr8-95260525-T-A. GRCh37 (hg19) VCF-style: chr8-96272753-T-A.
Other names: c.251A>T, p.Lys84Ile (NM_001363260.1); short protein forms K84I.
Identifiers: ClinVar variation 5001558 (VCV005001558.1).

ClinVar aggregate classification (germline): Uncertain significance (1 of 4 stars; one submission).

Conditions:
CFAP418-related disorder. Also called: CFAP418-related condition.

gnomAD v4.1: 1 of 1,580,068 alleles (0.000063%); highest among the groups gnomAD compares: Admixed American, 0.002%; no homozygotes.

Submission:

PreventionGenetics, part of Exact Sciences
Classification: Uncertain significance for CFAP418-related condition. Last evaluated: 2025-01-28. Review status: criteria provided, single submitter. Criteria: ACMG Guidelines, 2015. Collection method: clinical testing. Allele origin: germline.
Comment: The CFAP418 c.251A>T variant is predicted to result in the amino acid substitution p.Lys84Ile. To our knowledge, this variant has not been reported in the literature or in a large population database (gnomAD), indicating this variant is rare. At this time, the clinical significance of this variant is uncertain due to the absence of conclusive functional and genetic evidence.